The following is an entry in ClinVar:

NM_033026.6(PCLO):c.9475A>G (p.Ile3159Val)

Gene: PCLO (piccolo presynaptic cytomatrix protein; minus strand). Cytogenetic location: 7q21.11.
Variant type: single nucleotide variant.
Coding change: c.9475A>G on transcript NM_033026.6 (MANE Select); coding-DNA position 9475, A replaced by G.
Protein change: p.Ile3159Val; replaces isoleucine 3159 with valine.
Molecular consequence: missense variant.
Genome position (GRCh38, 1-based): chr7:82,951,113, T>C on the plus strand (A>G on the coding strand, the complement: PCLO is on the minus strand). VCF-style: chr7-82951113-T-C. GRCh37 (hg19) VCF-style: chr7-82580429-T-C.
Other names: c.9475A>G, p.Ile3159Val (NM_014510.3); c.9475A>G (NM_033026.5); short protein forms I3159V.
Identifiers: ClinVar variation 2083139 (VCV002083139.6), dbSNP rs200296375, ClinGen allele CA4319916.

ClinVar aggregate classification (germline): Conflicting classifications of pathogenicity. Review status: criteria provided, conflicting classifications (1 of 4 stars). 4 submissions from 4 submitters: Uncertain significance (2); Likely benign (1). 1 of the submissions does not count toward it. Last evaluated 2026-01-12.

Conditions:
PCLO-related disorder. Also called: PCLO-related condition.

Allele frequency attached by ClinVar (database versions not stated): 1000 Genomes Project 30x 0.00016; 1000 Genomes Project 0.00020; TOPMed 0.00029; gnomAD 0.00044; gnomAD exomes 0.00047; ESP Exome Variant Server 0.00049; ExAC 0.00070.
gnomAD v4.1: 759 of 1,613,732 alleles (0.047%); highest among the groups gnomAD compares: Non-Finnish European, 0.05%; 1 homozygote.

Submissions (4):

Labcorp Genetics (formerly Invitae), Labcorp
Classification: Uncertain significance. Last evaluated: 2026-01-12. Review status: criteria provided, single submitter. Criteria: Invitae Variant Classification Sherloc (09022015). Collection method: clinical testing. Allele origin: germline.
Comment: This sequence change replaces isoleucine, which is neutral and non-polar, with valine, which is neutral and non-polar, at codon 3159 of the PCLO protein (p.Ile3159Val). This variant is present in population databases (rs200296375, gnomAD 0.2%), and has an allele count higher than expected for a pathogenic variant. This variant has not been reported in the literature in individuals affected with PCLO-related conditions. ClinVar contains an entry for this variant (Variation ID: 2083139). An algorithm developed to predict the effect of missense changes on protein structure and function outputs the following: PolyPhen-2: "Not Available". The valine amino acid residue is found in multiple mammalian species, which suggests that this missense change does not adversely affect protein function. In summary, the available evidence is currently insufficient to determine the role of this variant in disease. Therefore, it has been classified as a Variant of Uncertain Significance.

Blueprint Genetics
Classification: Likely benign. Last evaluated: 2024-11-14. Review status: criteria provided, single submitter. Criteria: ACMG Guidelines, 2015. Collection method: clinical testing. Allele origin: germline.

Women's Health and Genetics/Laboratory Corporation of America, LabCorp
Classification: Uncertain significance. Last evaluated: 2024-02-07. Review status: criteria provided, single submitter. Criteria: LabCorp Variant Classification Summary - May 2015. Collection method: clinical testing. Allele origin: germline.
Comment: Variant summary: PCLO c.9475A>G (p.Ile3159Val) results in a conservative amino acid change in the encoded protein sequence. Five of five in-silico tools predict a benign effect of the variant on protein function. The variant allele was found at a frequency of 0.00056 in 248484 control chromosomes. To our knowledge, no occurrence of c.9475A>G in individuals affected with Pontocerebellar Hypoplasia Type 3 and no experimental evidence demonstrating its impact on protein function have been reported. ClinVar contains an entry for this variant (Variation ID: 2083139). Based on the evidence outlined above, the variant was classified as uncertain significance.

PreventionGenetics, part of Exact Sciences
Classification: Likely benign for PCLO-related condition. Last evaluated: 2024-06-03. Review status: no assertion criteria provided. Collection method: clinical testing. Allele origin: germline. Not counted in ClinVar's aggregate classification.
Comment: This variant is classified as likely benign based on ACMG/AMP sequence variant interpretation guidelines (Richards et al. 2015 PMID: 25741868, with internal and published modifications).